The following is an entry in ClinVar:

NM_015047.3(EMC1):c.2781G>T (p.Ser927=)

Genes: EMC1 (ER membrane protein complex subunit 1; minus strand), EMC1-AS1 (EMC1 antisense RNA 1; plus strand). Cytogenetic location: 1p36.13.
Variant type: single nucleotide variant.
Coding change: c.2781G>T on transcript NM_015047.3 (MANE Select); coding-DNA position 2781, G replaced by T.
Protein change: p.Ser927=; no amino-acid change (serine 927 retained).
Molecular consequence: synonymous variant.
Genome position (GRCh38, 1-based): chr1:19,219,590, C>A on the plus strand (G>T on the coding strand, the complement: EMC1 is on the minus strand). VCF-style: chr1-19219590-C-A. GRCh37 (hg19) VCF-style: chr1-19546084-C-A.
Other names: c.2778G>T, p.Ser926= (NM_001271427.2, NM_001271428.2); c.2715G>T, p.Ser905= (NM_001271429.2); c.2790G>T, p.Ser930= (NM_001375820.1); c.2787G>T, p.Ser929= (NM_001375821.1); c.2781G>T (NM_015047.2).
Identifiers: ClinVar variation 1994312 (VCV001994312.5), dbSNP rs753186319, ClinGen allele CA18808258.

ClinVar aggregate classification (germline): Likely benign. Review status: criteria provided, multiple submitters, no conflicts (2 of 4 stars). 2 submissions from 2 submitters: Likely benign (2). Last evaluated 2025-10-05.

Conditions:
EMC1-related disorder. Also called: EMC1-related condition.

Submissions (2):

PreventionGenetics, part of Exact Sciences
Classification: Likely benign for EMC1-related condition. Last evaluated: 2025-10-05. Review status: criteria provided, single submitter. Criteria: ACMG Guidelines, 2015. Collection method: clinical testing. Allele origin: germline.
Comment: This variant is classified as likely benign based on ACMG/AMP sequence variant interpretation guidelines (Richards et al. 2015 PMID: 25741868, with internal and published modifications).

Labcorp Genetics (formerly Invitae), Labcorp
Classification: Likely benign. Last evaluated: 2024-11-18. Review status: criteria provided, single submitter. Criteria: Invitae Variant Classification Sherloc (09022015). Collection method: clinical testing. Allele origin: germline.